The following is an entry in ClinVar:

ClinVar aggregate classification (germline): Uncertain significance (1 of 4 stars; one submission).

Conditions:
Arrhythmogenic right ventricular dysplasia 10. Also called: Arrhythmogenic Right Ventricular Dysplasia/Cardiomyopathy10; ARRHYTHMOGENIC RIGHT VENTRICULAR DYSPLASIA, FAMILIAL, 10; Arrhythmogenic right ventricular dysplasia/cardiomyopathy, type 10. Identifiers: MedGen C1857777, MONDO:0012434, OMIM 610193.

Submission:

Labcorp Genetics (formerly Invitae), Labcorp
Classification: Uncertain significance for Arrhythmogenic right ventricular dysplasia 10. Last evaluated: 2026-01-13. Review status: criteria provided, single submitter. Criteria: Invitae Variant Classification Sherloc (09022015). Collection method: clinical testing. Allele origin: germline.
Comment: This sequence change replaces phenylalanine, which is neutral and non-polar, with leucine, which is neutral and non-polar, at codon 159 of the DSG2 protein (p.Phe159Leu). This variant is not present in population databases (gnomAD no frequency). This variant has not been reported in the literature in individuals affected with DSG2-related conditions. Invitae Evidence Modeling of protein sequence and biophysical properties (such as structural, functional, and spatial information, amino acid conservation, physicochemical variation, residue mobility, and thermodynamic stability) has been performed for this missense variant. However, the output from this modeling did not meet the statistical confidence thresholds required to predict the impact of this variant on DSG2 protein function. In summary, the available evidence is currently insufficient to determine the role of this variant in disease. Therefore, it has been classified as a Variant of Uncertain Significance.

NM_001943.5(DSG2):c.475T>C (p.Phe159Leu)

Gene: DSG2 (desmoglein 2; plus strand). Cytogenetic location: 18q12.1.
Variant type: single nucleotide variant.
Coding change: c.475T>C on transcript NM_001943.5 (MANE Select); coding-DNA position 475, T replaced by C.
Protein change: p.Phe159Leu; replaces phenylalanine 159 with leucine.
Molecular consequence: missense variant.
Genome position (GRCh38, 1-based): chr18:31,521,195, T>C. VCF-style: chr18-31521195-T-C. GRCh37 (hg19) VCF-style: chr18-29101158-T-C.
Other names: short protein forms F159L.
Identifiers: ClinVar variation 4803001 (VCV004803001.1).